The following is an entry in ClinVar:

NM_004393.6(DAG1):c.1466G>A (p.Arg489His)

Gene: DAG1 (dystroglycan 1; plus strand). Cytogenetic location: 3p21.31.
Variant type: single nucleotide variant.
Coding change: c.1466G>A on transcript NM_004393.6 (MANE Select); coding-DNA position 1466, G replaced by A.
Protein change: p.Arg489His; replaces arginine 489 with histidine.
Molecular consequence: missense variant.
Genome position (GRCh38, 1-based): chr3:49,531,977, G>A. VCF-style: chr3-49531977-G-A. GRCh37 (hg19) VCF-style: chr3-49569410-G-A.
Other names: c.1466G>A (NM_004393.5); c.1466G>A, p.Arg489His (NM_001165928.4, NM_001177634.3, NM_001177635.3 and 9 more transcripts); short protein forms R489H.
Identifiers: ClinVar variation 1517315 (VCV001517315.7), dbSNP rs373379560, ClinGen allele CA2399089.

ClinVar aggregate classification (germline): Uncertain significance. Review status: criteria provided, multiple submitters, no conflicts (2 of 4 stars). 2 submissions from 2 submitters: Uncertain significance (2). Last evaluated 2022-10-13.

Conditions:
Muscular dystrophy-dystroglycanopathy (congenital with brain and eye anomalies), type A9. Also called: WALKER-WARBURG SYNDROME OR MUSCLE-EYE BRAIN DISEASE, DAG1-RELATED; Muscular dystrophy-dystroglycanopathy (congenital with brain and eye anomalies), type a, 9. Identifiers: Orphanet 370997, Orphanet 899, MedGen C4225291, MONDO:0014683, OMIM 616538.
Autosomal recessive limb-girdle muscular dystrophy type 2P. Also called: Limb-Girdle Muscular Dystrophy Type 9C; MUSCULAR DYSTROPHY, LIMB-GIRDLE, TYPE 2P; MUSCULAR DYSTROPHY-DYSTROGLYCANOPATHY, LIMB-GIRDLE, DAG1-RELATED. Identifiers: Orphanet 280333, MedGen C4511963, MONDO:0013440, OMIM 613818.

Allele frequency attached by ClinVar (database versions not stated): gnomAD 0.00001; gnomAD exomes 0.00002; ExAC 0.00006; ESP Exome Variant Server 0.00008.
gnomAD v4.1: 23 of 1,614,052 alleles (0.0014%); highest among the groups gnomAD compares: East Asian, 0.018%; no homozygotes.

Submissions (2):

Labcorp Genetics (formerly Invitae), Labcorp
Classification: Uncertain significance for Autosomal recessive limb-girdle muscular dystrophy type 2P; Muscular dystrophy-dystroglycanopathy (congenital with brain and eye anomalies), type A9. Last evaluated: 2022-10-13. Review status: criteria provided, single submitter. Criteria: Invitae Variant Classification Sherloc (09022015). Collection method: clinical testing. Allele origin: germline.
Comment: This sequence change replaces arginine, which is basic and polar, with histidine, which is basic and polar, at codon 489 of the DAG1 protein (p.Arg489His). This variant is present in population databases (rs373379560, gnomAD 0.02%). This variant has not been reported in the literature in individuals affected with DAG1-related conditions. ClinVar contains an entry for this variant (Variation ID: 1517315). Algorithms developed to predict the effect of missense changes on protein structure and function output the following: SIFT: "Tolerated"; PolyPhen-2: "Benign"; Align-GVGD: "Class C0". The histidine amino acid residue is found in multiple mammalian species, which suggests that this missense change does not adversely affect protein function. In summary, the available evidence is currently insufficient to determine the role of this variant in disease. Therefore, it has been classified as a Variant of Uncertain Significance.

Revvity Omics, Revvity
Classification: Uncertain significance. Last evaluated: 2020-12-10. Review status: criteria provided, single submitter. Criteria: ACMG Guidelines, 2015. Collection method: clinical testing. Allele origin: germline.